The following is an entry in ClinVar:

ClinVar aggregate classification (germline): Pathogenic (1 of 4 stars; one submission).

Conditions:
Neurofibromatosis, type 1 (NF1). Also called: VON RECKLINGHAUSEN DISEASE; Neurofibromatosis, type I; NEUROFIBROMATOSIS, TYPE I, SOMATIC; Peripheral type neurofibromatosis. Identifiers: Orphanet 636, MedGen C0027831, MONDO:0018975, OMIM 162200. Disease mechanism: loss of function.

Submission:

Labcorp Genetics (formerly Invitae), Labcorp
Classification: Pathogenic for Neurofibromatosis, type 1. Last evaluated: 2021-04-25. Review status: criteria provided, single submitter. Criteria: Invitae Variant Classification Sherloc (09022015). Collection method: clinical testing. Allele origin: germline.
Comment: For these reasons, this variant has been classified as Pathogenic. This variant has not been reported in the literature in individuals with NF1-related conditions. This variant is not present in population databases (ExAC no frequency). This sequence change creates a premature translational stop signal (p.Asn2400Thrfs*11) in the NF1 gene. It is expected to result in an absent or disrupted protein product. Loss-of-function variants in NF1 are known to be pathogenic (PMID: 10712197, 23913538).

Literature cited by the submitters: PubMed 10712197; PubMed 23913538.

NM_001042492.3(NF1):c.7260del (p.Asn2421fs)

Gene: NF1 (neurofibromin 1; plus strand). Cytogenetic location: 17q11.2.
Variant type: Deletion.
Coding change: c.7260del on transcript NM_001042492.3 (MANE Select); coding-DNA position 7260, one base deleted (T; older notation c.7260delT).
Protein change: p.Asn2421fs; shifts the reading frame from asparagine 2421.
Molecular consequence: frameshift variant.
Genome position (GRCh38, 1-based): chr17:31,349,190, T deleted; the last of 2 consecutive T bases (chr17:31,349,189-31,349,190); deleting either gives the same sequence. VCF-style (leftmost placement, unchanged base first): chr17-31349188-GT-G. GRCh37 (hg19) VCF-style: chr17-29676206-GT-G.
Other names: c.7197delT, p.Asn2400Thrfs (NM_000267.4); short protein forms N2400fs, N2421fs.
Identifiers: ClinVar variation 1392649 (VCV001392649.6), dbSNP rs1135402901, ClinGen allele CA2573153822.